The following is an entry in ClinVar:

ClinVar aggregate classification (germline): Uncertain significance (1 of 4 stars; one submission).

Conditions:
Primary ciliary dyskinesia. Also called: Ciliary dyskinesia. Identifiers: Orphanet 244, MedGen C0008780, MONDO:0016575, HP:0012265.

gnomAD v4.1: 1 of 1,605,026 alleles (0.000062%); highest among the groups gnomAD compares: Non-Finnish European, 0.000085%; no homozygotes.

Submission:

Labcorp Genetics (formerly Invitae), Labcorp
Classification: Uncertain significance for Primary ciliary dyskinesia. Last evaluated: 2025-09-20. Review status: criteria provided, single submitter. Criteria: Invitae Variant Classification Sherloc (09022015). Collection method: clinical testing. Allele origin: germline.
Comment: This sequence change replaces isoleucine, which is neutral and non-polar, with valine, which is neutral and non-polar, at codon 137 of the DNAH11 protein (p.Ile137Val). This variant is not present in population databases (gnomAD no frequency). This variant has not been reported in the literature in individuals affected with DNAH11-related conditions. Invitae Evidence Modeling of protein sequence and biophysical properties (such as structural, functional, and spatial information, amino acid conservation, physicochemical variation, residue mobility, and thermodynamic stability) indicates that this missense variant is not expected to disrupt DNAH11 protein function with a negative predictive value of 95%. In summary, the available evidence is currently insufficient to determine the role of this variant in disease. Therefore, it has been classified as a Variant of Uncertain Significance.

NM_001277115.2(DNAH11):c.409A>G (p.Ile137Val)

Gene: DNAH11 (dynein axonemal heavy chain 11; plus strand). Cytogenetic location: 7p15.3.
Variant type: single nucleotide variant.
Coding change: c.409A>G on transcript NM_001277115.2 (MANE Select); coding-DNA position 409, A replaced by G.
Protein change: p.Ile137Val; replaces isoleucine 137 with valine.
Molecular consequence: missense variant.
Genome position (GRCh38, 1-based): chr7:21,545,063, A>G. VCF-style: chr7-21545063-A-G. GRCh37 (hg19) VCF-style: chr7-21584681-A-G.
Other names: short protein forms I137V.
Identifiers: ClinVar variation 4802456 (VCV004802456.1).